The following is an entry in ClinVar:

NM_004035.7(ACOX1):c.913G>A (p.Ala305Thr)

Gene: ACOX1 (acyl-CoA oxidase 1; minus strand). Cytogenetic location: 17q25.1.
Variant type: single nucleotide variant.
Coding change: c.913G>A on transcript NM_004035.7 (MANE Select); coding-DNA position 913, G replaced by A.
Protein change: p.Ala305Thr; replaces alanine 305 with threonine.
Molecular consequence: missense variant.
Genome position (GRCh38, 1-based): chr17:75,953,482, C>T on the plus strand (G>A on the coding strand, the complement: ACOX1 is on the minus strand). VCF-style: chr17-75953482-C-T. GRCh37 (hg19) VCF-style: chr17-73949563-C-T.
Other names: c.799G>A, p.Ala267Thr (NM_001185039.2); c.913G>A, p.Ala305Thr (NM_007292.6); c.913G>A (NM_004035.6); short protein forms A305T, A267T.
Identifiers: ClinVar variation 3662897 (VCV003662897.3).

ClinVar aggregate classification (germline): Uncertain significance. Review status: criteria provided, multiple submitters, no conflicts (2 of 4 stars). 2 submissions from 2 submitters: Uncertain significance (2). Last evaluated 2026-03-05.

Conditions:
Acyl-CoA oxidase deficiency. Also called: Pseudoneonatal adrenoleukodystrophy; Peroxisomal acyl-CoA oxidase deficiency; STRAIGHT-CHAIN ACYL-CoA OXIDASE DEFICIENCY. Identifiers: Orphanet 2971, MedGen C1849678, MONDO:0009919, OMIM 264470. Disease mechanism: loss of function.
ACOX1-related disorder. Also called: ACOX1-related disorders; ACOX1-related condition.

gnomAD v4.1: 26 of 1,613,936 alleles (0.0016%); highest among the groups gnomAD compares: African/African-American, 0.0067%; no homozygotes.

Submissions (2):

PreventionGenetics, part of Exact Sciences
Classification: Uncertain significance for ACOX1-related condition. Last evaluated: 2026-03-05. Review status: criteria provided, single submitter. Criteria: ACMG Guidelines, 2015. Collection method: clinical testing. Allele origin: germline.
Comment: The ACOX1 c.913G>A variant is predicted to result in the amino acid substitution p.Ala305Thr. To our knowledge, this variant has not been reported in the literature. This variant is reported in 0.0080% of alleles in individuals of African descent in gnomAD. At this time, the clinical significance of this variant is uncertain due to the absence of conclusive functional and genetic evidence.

Labcorp Genetics (formerly Invitae), Labcorp
Classification: Uncertain significance for Acyl-CoA oxidase deficiency. Last evaluated: 2025-01-21. Review status: criteria provided, single submitter. Criteria: Invitae Variant Classification Sherloc (09022015). Collection method: clinical testing. Allele origin: germline.
Comment: This sequence change replaces alanine, which is neutral and non-polar, with threonine, which is neutral and polar, at codon 305 of the ACOX1 protein (p.Ala305Thr). This variant is present in population databases (no rsID available, gnomAD 0.008%). This variant has not been reported in the literature in individuals affected with ACOX1-related conditions. Invitae Evidence Modeling of protein sequence and biophysical properties (such as structural, functional, and spatial information, amino acid conservation, physicochemical variation, residue mobility, and thermodynamic stability) indicates that this missense variant is not expected to disrupt ACOX1 protein function with a negative predictive value of 80%. In summary, the available evidence is currently insufficient to determine the role of this variant in disease. Therefore, it has been classified as a Variant of Uncertain Significance.